The following is an entry in ClinVar:

ClinVar aggregate classification (germline): Likely benign. Review status: criteria provided, multiple submitters, no conflicts (2 of 4 stars). 9 submissions from 9 submitters: Likely benign (7). 2 of the submissions do not count toward it. Last evaluated 2025-12-17.

Conditions:
MYL2-related disorder. Also called: MYL2-related condition; MYL2-related disease; MYL2-related disorders.
Hypertrophic cardiomyopathy 10. Also called: MYL2-Related Familial Hypertrophic Cardiomyopathy; CARDIOMYOPATHY, HYPERTROPHIC, MID-LEFT VENTRICULAR CHAMBER TYPE, 2. Identifiers: MedGen C1834460, MONDO:0012112, OMIM 608758.
Hypertrophic cardiomyopathy. Also called: HYPERTROPHIC MYOCARDIOPATHY. Identifiers: Orphanet 217569, MedGen C0007194, MeSH D002312, MONDO:0005045, HP:0001639.
Cardiovascular phenotype. Identifiers: MedGen CN230736.
Cardiomyopathy (CMYO). Also called: Cardiomyopathies. Identifiers: Orphanet 167848, MedGen C0878544, MONDO:0004994, HP:0001638. Inheritance: Various modes of inheritance.

Allele frequency attached by ClinVar (database versions not stated): ExAC 0.00001; gnomAD 0.00002; gnomAD exomes 0.00003; TOPMed 0.00005; 1000 Genomes Project 30x 0.00016.
gnomAD v4.1: 20 of 1,614,074 alleles (0.0012%); highest among the groups gnomAD compares: Admixed American, 0.015%; no homozygotes.

Submissions (9):

PreventionGenetics, part of Exact Sciences
Classification: Likely benign for MYL2-related condition. Last evaluated: 2025-12-17. Review status: criteria provided, single submitter. Criteria: ACMG Guidelines, 2015. Collection method: clinical testing. Allele origin: germline.
Comment: This variant is classified as likely benign based on ACMG/AMP sequence variant interpretation guidelines (Richards et al. 2015 PMID: 25741868, with internal and published modifications).

Labcorp Genetics (formerly Invitae), Labcorp
Classification: Likely benign for Hypertrophic cardiomyopathy 10. Last evaluated: 2025-12-15. Review status: criteria provided, single submitter. Criteria: Invitae Variant Classification Sherloc (09022015). Collection method: clinical testing. Allele origin: germline.

All of Us Research Program, National Institutes of Health
Classification: Likely benign for Hypertrophic cardiomyopathy. Last evaluated: 2023-12-01. Review status: criteria provided, single submitter. Criteria: ACMG Guidelines, 2015. Collection method: clinical testing. Allele origin: germline. Inheritance: Autosomal dominant inheritance. Observed: 4 variant alleles, 4 heterozygotes.
Comment: This study involves interpretation of variants in research participants for the purpose of population health screening. Participant phenotype was not available at the time of variant classification. Additional details can be found in publication PMID: 35346344, PMCID: PMC8962531

GeneDx
Classification: Likely benign. Last evaluated: 2021-01-13. Review status: criteria provided, single submitter. Criteria: GeneDx Variant Classification Process June 2021. Collection method: clinical testing. Allele origin: germline. Affected: yes.

Ambry Genetics
Classification: Likely benign for Cardiovascular phenotype. Last evaluated: 2019-03-10. Review status: criteria provided, single submitter. Criteria: Ambry Variant Classification Scheme 2023. Collection method: clinical testing. Allele origin: germline.

Color Diagnostics, LLC DBA Color Health
Classification: Likely benign for Cardiomyopathy. Last evaluated: 2018-11-08. Review status: criteria provided, single submitter. Criteria: ACMG Guidelines, 2015. Collection method: clinical testing. Allele origin: germline.

Breakthrough Genomics
Classification: Likely benign. Review status: criteria provided, single submitter. Criteria: ACMG Guidelines, 2015. Collection method: not provided. Allele origin: germline. Inheritance: Autosomal recessive inheritance. Affected: yes.

Clinical Genetics, Academic Medical Center
Classification: Benign. Review status: no assertion criteria provided. Collection method: clinical testing. Allele origin: germline. Affected: yes. Study: VKGL Data-share Consensus. Not counted in ClinVar's aggregate classification.

Diagnostic Laboratory, Department of Genetics, University Medical Center Groningen
Classification: Likely benign for Hypertrophic cardiomyopathy 10. Review status: no assertion criteria provided. Collection method: clinical testing. Allele origin: germline. Affected: yes. Study: VKGL Data-share Consensus. Not counted in ClinVar's aggregate classification.

NM_000432.4(MYL2):c.222G>A (p.Pro74=)

Gene: MYL2 (myosin light chain 2; minus strand). Cytogenetic location: 12q24.11.
Variant type: single nucleotide variant.
Coding change: c.222G>A on transcript NM_000432.4 (MANE Select); coding-DNA position 222, G replaced by A.
Protein change: p.Pro74=; no amino-acid change (proline 74 retained).
Molecular consequence: synonymous variant.
Genome position (GRCh38, 1-based): chr12:110,914,238, C>T on the plus strand (G>A on the coding strand, the complement: MYL2 is on the minus strand). VCF-style: chr12-110914238-C-T. GRCh37 (hg19) VCF-style: chr12-111352042-C-T.
Identifiers: ClinVar variation 378217 (VCV000378217.22), dbSNP rs372644111, ClinGen allele CA040809.